The following is an entry in ClinVar:

ClinVar aggregate classification (germline): Uncertain significance (1 of 4 stars; one submission).

Submission:

ARUP Laboratories, Molecular Genetics and Genomics, ARUP Laboratories
Classification: Uncertain significance. Last evaluated: 2024-09-24. Review status: criteria provided, single submitter. Criteria: ARUP Molecular Germline Variant Investigation Process 2024. Collection method: clinical testing. Allele origin: germline.
Comment: The UGT1A1 c.901G>A; p.Gly301Arg variant, to our knowledge, is not reported in the medical literature or gene specific databases. This variant is also absent from the Genome Aggregation Database (v2.1.1), indicating it is not a common polymorphism. Computational analyses predict that this variant is deleterious (REVEL: 0.865). However, given the lack of clinical and functional data, the significance of this variant is uncertain at this time.

NM_000463.3(UGT1A1):c.901G>A (p.Gly301Arg)

Genes: UGT1A (UDP glucuronosyltransferase family 1 member A complex locus; plus strand), UGT1A1 (UDP glucuronosyltransferase family 1 member A1; plus strand), UGT1A10 (UDP glucuronosyltransferase family 1 member A10; plus strand), UGT1A5 (UDP glucuronosyltransferase family 1 member A5; plus strand), UGT1A3 (UDP glucuronosyltransferase family 1 member A3; plus strand) and 5 more. Cytogenetic location: 2q37.1.
Variant type: single nucleotide variant.
Coding change: c.901G>A on transcript NM_000463.3 (MANE Select); coding-DNA position 901, G replaced by A.
Protein change: p.Gly301Arg; replaces glycine 301 with arginine.
Molecular consequence: missense variant.
Genome position (GRCh38, 1-based): chr2:233,767,070, G>A. VCF-style: chr2-233767070-G-A. GRCh37 (hg19) VCF-style: chr2-234675716-G-A.
Other names: c.892G>A, p.Gly298Arg (NM_019075.4, NM_019076.5, NM_019077.3 and 1 more transcripts); c.898G>A, p.Gly300Arg (NM_001072.4); c.97G>A, p.Gly33Arg (NM_205862.3); c.904G>A, p.Gly302Arg (NM_019078.2, NM_007120.3, NM_019093.4); short protein forms G298R, G300R, G301R, G302R, G33R.
Identifiers: ClinVar variation 3766850 (VCV003766850.1).